The following is an entry in ClinVar:

ClinVar aggregate classification (germline): Uncertain significance (1 of 4 stars; one submission).

Conditions:
NR1H4-related disorder. Also called: NR1H4-related condition.

Submission:

PreventionGenetics, part of Exact Sciences
Classification: Uncertain significance for NR1H4-related condition. Last evaluated: 2025-11-30. Review status: criteria provided, single submitter. Criteria: ACMG Guidelines, 2015. Collection method: clinical testing. Allele origin: germline.
Comment: The NR1H4 c.199T>G variant is predicted to result in the amino acid substitution p.Tyr67Asp. To our knowledge, this variant has not been reported in the literature or in a large population database (gnomAD), indicating this variant is rare. At this time, the clinical significance of this variant is uncertain due to the absence of conclusive functional and genetic evidence.

NM_001206979.2(NR1H4):c.199T>G (p.Tyr67Asp)

Gene: NR1H4 (nuclear receptor subfamily 1 group H member 4; plus strand). Cytogenetic location: 12q23.1.
Variant type: single nucleotide variant.
Coding change: c.199T>G on transcript NM_001206979.2 (MANE Select); coding-DNA position 199, T replaced by G.
Protein change: p.Tyr67Asp; replaces tyrosine 67 with aspartic acid.
Molecular consequence: missense variant. On other transcripts: non-coding transcript variant (1).
Genome position (GRCh38, 1-based): chr12:100,510,897, T>G. VCF-style: chr12-100510897-T-G. GRCh37 (hg19) VCF-style: chr12-100904675-T-G.
Other names: c.199T>G, p.Tyr67Asp (NM_001206977.2, NM_001206978.2, NM_005123.4); c.229T>G, p.Tyr77Asp (NM_001206992.2, NM_001206993.2); short protein forms Y67D, Y77D.
Identifiers: ClinVar variation 4994648 (VCV004994648.1).